The following is an entry in ClinVar:

ClinVar aggregate classification (germline): Uncertain significance (1 of 4 stars; one submission).

Allele frequency attached by ClinVar (database versions not stated): TOPMed 0.00003; gnomAD exomes 0.00008 and 0.00019; gnomAD 0.00016 and 0.00017; ExAC 0.00020.
gnomAD v4.1: 144 of 1,613,798 alleles (0.0089%); highest among the groups gnomAD compares: Middle Eastern, 0.05%; 2 homozygotes.

Submission:

Labcorp Genetics (formerly Invitae), Labcorp
Classification: Uncertain significance. Last evaluated: 2022-06-18. Review status: criteria provided, single submitter. Criteria: Invitae Variant Classification Sherloc (09022015). Collection method: clinical testing. Allele origin: germline.
Comment: This sequence change replaces arginine, which is basic and polar, with serine, which is neutral and polar, at codon 435 of the HPS5 protein (p.Arg435Ser). This variant is present in population databases (rs752579216, gnomAD 0.2%). This variant has not been reported in the literature in individuals affected with HPS5-related conditions. Algorithms developed to predict the effect of missense changes on protein structure and function are either unavailable or do not agree on the potential impact of this missense change (SIFT: "Tolerated"; PolyPhen-2: "Probably Damaging"; Align-GVGD: "Class C0"). In summary, the available evidence is currently insufficient to determine the role of this variant in disease. Therefore, it has been classified as a Variant of Uncertain Significance.

NM_181507.2(HPS5):c.1305A>C (p.Arg435Ser)

Gene: HPS5 (HPS5 biogenesis of lysosomal organelles complex 2 subunit 2; minus strand). Cytogenetic location: 11p15.1.
Variant type: single nucleotide variant.
Coding change: c.1305A>C on transcript NM_181507.2 (MANE Select); coding-DNA position 1305, A replaced by C.
Protein change: p.Arg435Ser; replaces arginine 435 with serine.
Molecular consequence: missense variant.
Genome position (GRCh38, 1-based): chr11:18,297,577, T>G on the plus strand (A>C on the coding strand, the complement: HPS5 is on the minus strand). VCF-style: chr11-18297577-T-G. GRCh37 (hg19) VCF-style: chr11-18319124-T-G.
Other names: c.963A>C, p.Arg321Ser (NM_007216.4, NM_181508.2); short protein forms R321S, R435S.
Identifiers: ClinVar variation 1394857 (VCV001394857.5), dbSNP rs752579216, ClinGen allele CA5910182.
Genomic context (GRCh38, chr11:18,297,577, plus strand): 5'-AAATCTTACCCTACAAAATCCTTTAAAGGTGAGAATACTTACATGTGATGAAATGGAGCT[T>G]CTTCTACTGCTACAAGCTGAATCCAAAGGTTCAAATTTTAAGATCAATTCTTCCAGTTGA-3'
Protein context (NP_852608.1, residues 425-445): EPLDSACSSR[Arg435Ser]SSISSHESFS